The following is an entry in ClinVar:

ClinVar aggregate classification (germline): Uncertain significance (1 of 4 stars; one submission).

Conditions:
Cornelia de Lange syndrome 4 (CDLS4). Also called: RAD21-Related Cornelia de Lange Syndrome; CORNELIA DE LANGE SYNDROME 4 WITH OR WITHOUT MIDLINE BRAIN DEFECTS. Identifiers: Orphanet 199, MedGen C3553517, MONDO:0013864, OMIM 614701.

Submission:

Labcorp Genetics (formerly Invitae), Labcorp
Classification: Uncertain significance for Cornelia de Lange syndrome 4. Last evaluated: 2023-11-27. Review status: criteria provided, single submitter. Criteria: Invitae Variant Classification Sherloc (09022015). Collection method: clinical testing. Allele origin: germline.
Comment: This sequence change replaces asparagine, which is neutral and polar, with serine, which is neutral and polar, at codon 412 of the RAD21 protein (p.Asn412Ser). This variant is not present in population databases (gnomAD no frequency). This variant has not been reported in the literature in individuals affected with RAD21-related conditions. Advanced modeling of protein sequence and biophysical properties (such as structural, functional, and spatial information, amino acid conservation, physicochemical variation, residue mobility, and thermodynamic stability) performed at Invitae indicates that this missense variant is not expected to disrupt RAD21 protein function with a negative predictive value of 80%. In summary, the available evidence is currently insufficient to determine the role of this variant in disease. Therefore, it has been classified as a Variant of Uncertain Significance.

NM_006265.3(RAD21):c.1235A>G (p.Asn412Ser)

Gene: RAD21 (RAD21 cohesin complex component; minus strand). Cytogenetic location: 8q24.11.
Variant type: single nucleotide variant.
Coding change: c.1235A>G on transcript NM_006265.3 (MANE Select); coding-DNA position 1235, A replaced by G.
Protein change: p.Asn412Ser; replaces asparagine 412 with serine.
Molecular consequence: missense variant.
Genome position (GRCh38, 1-based): chr8:116,852,635, T>C on the plus strand (A>G on the coding strand, the complement: RAD21 is on the minus strand). VCF-style: chr8-116852635-T-C. GRCh37 (hg19) VCF-style: chr8-117864874-T-C.
Other names: short protein forms N412S.
Identifiers: ClinVar variation 2713321 (VCV002713321.3), dbSNP rs2537291161, ClinGen allele CA371998996.
Genomic context (GRCh38, chr8:116,852,635, plus strand): 5'-TGTTGCTGGTCCTCTCTAGGAACCTCTGGATTTTCAAATTCTTTGAGGAATTCATCCAAA[T>C]TATCTGCCTCTCCTCCTTTCCTCCTTTTTCTAAGGTCTTCTGGTACAAGCGGTGTAAGAC-3'
Protein context (NP_006256.1, residues 402-422): RKRRKGGEAD[Asn412Ser]LDEFLKEFEN